The following is an entry in ClinVar:

NM_000168.6(GLI3):c.1433_1434del (p.Ile477_Tyr478insTer)

Gene: GLI3 (GLI family zinc finger 3; minus strand). Cytogenetic location: 7p14.1.
Variant type: Deletion.
Coding change: c.1433_1434del on transcript NM_000168.6 (MANE Select); coding-DNA positions 1433 to 1434, 2 bases deleted (AT; older notation c.1433_1434delAT).
Protein change: p.Ile477_Tyr478insTer.
Molecular consequence: nonsense.
Genome position (GRCh38, 1-based): chr7:42,023,531-42,023,532, AT deleted on the plus strand (AT on the coding strand, the reverse complement: GLI3 is on the minus strand); deleting any 2 consecutive bases within chr7:42,023,531-42,023,533 gives the same sequence; the c. name uses the placement nearest the transcript's 3' end. VCF-style (leftmost placement, unchanged base first): chr7-42023530-CAT-C. GRCh37 (hg19) VCF-style: chr7-42063129-CAT-C.
Identifiers: ClinVar variation 651052 (VCV000651052.8), dbSNP rs1583801167, ClinGen allele CA915944907.

ClinVar aggregate classification (germline): Pathogenic (1 of 4 stars; one submission).

Conditions:
Pallister-Hall syndrome (PHS). Also called: HYPOTHALAMIC HAMARTOBLASTOMA, HYPOPITUITARISM, IMPERFORATE ANUS, AND POSTAXIAL POLYDACTYLY; GLI3-Related Pallister-Hall Syndrome. Identifiers: Orphanet 672, MedGen C0265220, MONDO:0007804, OMIM 146510.
Greig cephalopolysyndactyly syndrome (GCPS). Also called: GLI3-Related Greig Cephalopolysyndactyly Syndrome; POLYSYNDACTYLY WITH PECULIAR SKULL SHAPE; Greig syndrome. Identifiers: Orphanet 380, MedGen C0265306, MONDO:0008287, OMIM 175700.

Submission:

Labcorp Genetics (formerly Invitae), Labcorp
Classification: Pathogenic for Pallister-Hall syndrome; Greig cephalopolysyndactyly syndrome. Last evaluated: 2018-12-11. Review status: criteria provided, single submitter. Criteria: Invitae Variant Classification Sherloc (09022015). Collection method: clinical testing. Allele origin: germline.
Comment: This sequence change creates a premature translational stop signal (p.Tyr478*) in the GLI3 gene. It is expected to result in an absent or disrupted protein product. This variant is not present in population databases (ExAC no frequency). Loss-of-function variants in GLI3 are known to be pathogenic (PMID: 10441570, 15739154, 18000979, 24736735). For these reasons, this variant has been classified as Pathogenic.

Literature cited by the submitters: PubMed 10441570; PubMed 15739154; PubMed 18000979; PubMed 24736735.